The following is an entry in ClinVar:

NM_006267.5(RANBP2):c.4294G>A (p.Val1432Ile)

Gene: RANBP2 (RAN binding protein 2; plus strand). Cytogenetic location: 2q13.
Variant type: single nucleotide variant.
Coding change: c.4294G>A on transcript NM_006267.5 (MANE Select); coding-DNA position 4294, G replaced by A.
Protein change: p.Val1432Ile; replaces valine 1432 with isoleucine.
Molecular consequence: missense variant.
Genome position (GRCh38, 1-based): chr2:108,764,833, G>A. VCF-style: chr2-108764833-G-A. GRCh37 (hg19) VCF-style: chr2-109381289-G-A.
Other names: short protein forms V1432I.
Identifiers: ClinVar variation 956807 (VCV000956807.12), dbSNP rs1006499929, ClinGen allele CA53453786.

ClinVar aggregate classification (germline): Uncertain significance. Review status: criteria provided, multiple submitters, no conflicts (2 of 4 stars). 3 submissions from 3 submitters: Uncertain significance (3). Last evaluated 2023-12-16.

Conditions:
Familial acute necrotizing encephalopathy (IIAE3). Also called: ENCEPHALOPATHY, ACUTE, INFECTION-INDUCED, SUSCEPTIBILITY TO, 3; Susceptibility to Acute Necrotizing Encephalopathy 1. Identifiers: Orphanet 88619, MedGen C2675556, MONDO:0011953, OMIM 608033.

Allele frequency attached by ClinVar (database versions not stated): gnomAD exomes below 0.00001 and 0.00001; gnomAD 0.00005; TOPMed 0.00007.
gnomAD v4.1: 10 of 1,613,924 alleles (0.00062%); highest among the groups gnomAD compares: African/African-American, 0.012%; no homozygotes.

Submissions (3):

Ambry Genetics
Classification: Uncertain significance. Last evaluated: 2023-12-16. Review status: criteria provided, single submitter. Criteria: Ambry Variant Classification Scheme 2023. Collection method: clinical testing. Allele origin: germline.

GeneDx
Classification: Uncertain significance. Last evaluated: 2019-12-17. Review status: criteria provided, single submitter. Criteria: GeneDx Variant Classification Process June 2021. Collection method: clinical testing. Allele origin: germline. Affected: yes.
Comment: In silico analysis, which includes protein predictors and evolutionary conservation, supports that this variant does not alter protein structure/function; Has not been previously published as pathogenic or benign to our knowledge

Labcorp Genetics (formerly Invitae), Labcorp
Classification: Uncertain significance for Familial acute necrotizing encephalopathy. Last evaluated: 2019-10-01. Review status: criteria provided, single submitter. Criteria: Invitae Variant Classification Sherloc (09022015). Collection method: clinical testing. Allele origin: germline.
Comment: This sequence change replaces valine with isoleucine at codon 1432 of the RANBP2 protein (p.Val1432Ile). The valine residue is highly conserved and there is a small physicochemical difference between valine and isoleucine. This variant is not present in population databases (ExAC no frequency). This variant has not been reported in the literature in individuals with RANBP2-related conditions. Algorithms developed to predict the effect of missense changes on protein structure and function output the following: SIFT: "Deleterious"; PolyPhen-2: "Possibly Damaging"; Align-GVGD: "Class C25". The isoleucine amino acid residue is found in multiple mammalian species, suggesting that this missense change does not adversely affect protein function. These predictions have not been confirmed by published functional studies and their clinical significance is uncertain. In summary, the available evidence is currently insufficient to determine the role of this variant in disease. Therefore, it has been classified as a Variant of Uncertain Significance.